The following is an entry in ClinVar:

NM_001903.5(CTNNA1):c.336A>G (p.Ala112=)

Gene: CTNNA1 (catenin alpha 1; plus strand). Cytogenetic location: 5q31.2.
Variant type: single nucleotide variant.
Coding change: c.336A>G on transcript NM_001903.5 (MANE Select); coding-DNA position 336, A replaced by G.
Protein change: p.Ala112=; no amino-acid change (alanine 112 retained).
Molecular consequence: synonymous variant. On other transcripts: intron variant (1).
Genome position (GRCh38, 1-based): chr5:138,810,072, A>G. VCF-style: chr5-138810072-A-G. GRCh37 (hg19) VCF-style: chr5-138145761-A-G.
Other names: c.336A>G, p.Ala112= (NM_001290307.3, NM_001323982.2, NM_001323983.1 and 3 more transcripts); c.27A>G, p.Ala9= (NM_001290309.3); c.-5-29A>G (NM_001290310.3).
Identifiers: ClinVar variation 755245 (VCV000755245.14), dbSNP rs1581105505, ClinGen allele CA446590795.

ClinVar aggregate classification (germline): Benign/Likely benign. Review status: criteria provided, multiple submitters, no conflicts (2 of 4 stars). 3 submissions from 3 submitters: Benign (1); Likely benign (2). Last evaluated 2024-10-09.

Conditions:
Hereditary cancer-predisposing syndrome. Also called: Tumor predisposition; Hereditary Cancer Syndrome; Neoplastic Syndromes, Hereditary; Hereditary neoplastic syndrome. Identifiers: Orphanet 140162, MedGen C0027672, MeSH D009386, MONDO:0015356.
Hereditary diffuse gastric adenocarcinoma (HDGC). Also called: DIFFUSE GASTRIC AND LOBULAR BREAST CANCER SYNDROME. Identifiers: Orphanet 26106, MedGen C1708349, MONDO:0007648, OMIM 137215.

Submissions (3):

Myriad Genetics, Inc.
Classification: Benign for Hereditary diffuse gastric adenocarcinoma. Last evaluated: 2024-10-09. Review status: criteria provided, single submitter. Criteria: Myriad Autosomal Dominant, Autosomal Recessive and X-Linked Classification Criteria (2023). Collection method: clinical testing. Allele origin: unknown.
Comment: This variant is considered benign. This variant is a silent/synonymous amino acid change and it is not expected to impact splicing.

Labcorp Genetics (formerly Invitae), Labcorp
Classification: Likely benign. Last evaluated: 2022-08-23. Review status: criteria provided, single submitter. Criteria: Invitae Variant Classification Sherloc (09022015). Collection method: clinical testing. Allele origin: germline.

Ambry Genetics
Classification: Likely benign for Hereditary cancer-predisposing syndrome. Last evaluated: 2019-11-06. Review status: criteria provided, single submitter. Criteria: Ambry Variant Classification Scheme 2023. Collection method: clinical testing. Allele origin: germline.